The following is an entry in ClinVar:

ClinVar aggregate classification (germline): Conflicting classifications of pathogenicity. Review status: criteria provided, conflicting classifications (1 of 4 stars). 2 submissions from 2 submitters: Uncertain significance (1); Likely benign (1). Last evaluated 2025-12-21.

Conditions:
Hereditary nonpolyposis colorectal neoplasms. Identifiers: MedGen C0009405, MeSH D003123.
Hereditary cancer-predisposing syndrome. Also called: Hereditary Cancer Syndrome; Neoplastic Syndromes, Hereditary; Tumor predisposition; Hereditary neoplastic syndrome. Identifiers: Orphanet 140162, MedGen C0027672, MeSH D009386, MONDO:0015356.

Allele frequency attached by ClinVar (database versions not stated): gnomAD exomes below 0.00001; ExAC 0.00001; gnomAD 0.00001.
gnomAD v4.1: 3 of 1,612,088 alleles (0.00019%); highest among the groups gnomAD compares: Non-Finnish European, 0.00025%; no homozygotes.

Submissions (2):

Labcorp Genetics (formerly Invitae), Labcorp
Classification: Likely benign for Hereditary nonpolyposis colorectal neoplasms. Last evaluated: 2025-12-21. Review status: criteria provided, single submitter. Criteria: Invitae Variant Classification Sherloc (09022015). Collection method: clinical testing. Allele origin: germline.

Ambry Genetics
Classification: Uncertain significance for Hereditary cancer-predisposing syndrome. Last evaluated: 2024-10-09. Review status: criteria provided, single submitter. Criteria: Ambry Variant Classification Scheme 2023. Collection method: clinical testing. Allele origin: germline.
Comment: The p.A16V variant (also known as c.47C>T), located in coding exon 1 of the MSH6 gene, results from a C to T substitution at nucleotide position 47. The alanine at codon 16 is replaced by valine, an amino acid with similar properties. This amino acid position is not well conserved in available vertebrate species. In addition, this alteration is predicted to be tolerated by in silico analysis. Based on the available evidence, the clinical significance of this variant remains unclear.

NM_000179.3(MSH6):c.47C>T (p.Ala16Val)

Gene: MSH6 (mutS homolog 6; plus strand). Cytogenetic location: 2p16.3.
Variant type: single nucleotide variant.
Coding change: c.47C>T on transcript NM_000179.3 (MANE Select); coding-DNA position 47, C replaced by T.
Protein change: p.Ala16Val; replaces alanine 16 with valine.
Molecular consequence: missense variant. On other transcripts: 5 prime UTR variant (1).
Genome position (GRCh38, 1-based): chr2:47,783,280, C>T. VCF-style: chr2-47783280-C-T. GRCh37 (hg19) VCF-style: chr2-48010419-C-T.
Other names: c.47C>T, p.Ala16Val (NM_001281492.2); c.-690C>T (NM_001281493.2); short protein forms A16V.
Identifiers: ClinVar variation 479878 (VCV000479878.16), dbSNP rs759501511, ClinGen allele CA073037.